The following is an entry in ClinVar:

NM_031844.3(HNRNPU):c.1411G>A (p.Glu471Lys)

Gene: HNRNPU (heterogeneous nuclear ribonucleoprotein U; minus strand). Cytogenetic location: 1q44.
Variant type: single nucleotide variant.
Coding change: c.1411G>A on transcript NM_031844.3 (MANE Select); coding-DNA position 1411, G replaced by A.
Protein change: p.Glu471Lys; replaces glutamic acid 471 with lysine.
Molecular consequence: missense variant.
Genome position (GRCh38, 1-based): chr1:244,858,094, C>T on the plus strand (G>A on the coding strand, the complement: HNRNPU is on the minus strand). VCF-style: chr1-244858094-C-T. GRCh37 (hg19) VCF-style: chr1-245021396-C-T.
Other names: c.1354G>A, p.Glu452Lys (NM_004501.3); short protein forms E452K, E471K.
Identifiers: ClinVar variation 1328588 (VCV001328588.2), dbSNP rs775402274, ClinGen allele CA1486463.

ClinVar aggregate classification (germline): Uncertain significance (1 of 4 stars; one submission).

Allele frequency attached by ClinVar (database versions not stated): gnomAD exomes below 0.00001; ExAC 0.00001.

Submission:

GeneDx
Classification: Uncertain significance. Last evaluated: 2021-06-15. Review status: criteria provided, single submitter. Criteria: GeneDx Variant Classification Process June 2021. Collection method: clinical testing. Allele origin: germline. Affected: yes.
Comment: In silico analysis supports that this missense variant does not alter protein structure/function; Has not been previously published as pathogenic or benign to our knowledge; This variant is associated with the following publications: (PMID: 27535533)